The following is an entry in ClinVar:

ClinVar aggregate classification (germline): Uncertain significance (1 of 4 stars; one submission).

Conditions:
Inborn genetic diseases. Identifiers: MedGen C0950123, MeSH D030342.

Submission:

Ambry Genetics
Classification: Uncertain significance for Inborn genetic diseases. Last evaluated: 2025-09-07. Review status: criteria provided, single submitter. Criteria: Ambry Variant Classification Scheme 2023. Collection method: clinical testing. Allele origin: germline.
Comment: The p.E481G variant (also known as c.1442A>G), located in coding exon 11 of the BMPR2 gene, results from an A to G substitution at nucleotide position 1442. The glutamic acid at codon 481 is replaced by glycine, an amino acid with similar properties. This amino acid position is conserved. In addition, the in silico prediction for this alteration is inconclusive. Based on the available evidence, the clinical significance of this variant remains unclear.

NM_001204.7(BMPR2):c.1442A>G (p.Glu481Gly)

Gene: BMPR2 (bone morphogenetic protein receptor type 2; plus strand). Cytogenetic location: 2q33.2.
Variant type: single nucleotide variant.
Coding change: c.1442A>G on transcript NM_001204.7 (MANE Select); coding-DNA position 1442, A replaced by G.
Protein change: p.Glu481Gly; replaces glutamic acid 481 with glycine.
Molecular consequence: missense variant.
Genome position (GRCh38, 1-based): chr2:202,552,744, A>G. VCF-style: chr2-202552744-A-G. GRCh37 (hg19) VCF-style: chr2-203417467-A-G.
Other names: short protein forms E481G.
Identifiers: ClinVar variation 4214559 (VCV004214559.1).
Genomic context (GRCh38, chr2:202,552,744, plus strand): 5'-ACACATGGTTTGACATGTACTTTGTCTTACAGGCAGTGAGGTCACTCAAGGAGACAATCG[A>G]AGACTGTTGGGACCAGGATGCAGAGGCTCGGCTTACTGCACAGTGTGCTGAGGAAAGGAT-3'
Protein context (NP_001195.2, residues 471-491): LAVRSLKETI[Glu481Gly]DCWDQDAEAR